The following is an entry in ClinVar:

NC_000016.9:g.(?_159889)_(160561_?)del

Gene: NPRL3 (NPR3 like, GATOR1 complex subunit; minus strand). Cytogenetic location: 16p13.3.
Variant type: Deletion.
Identifiers: ClinVar variation 3243563 (VCV003243563.1).

ClinVar aggregate classification (germline): Likely pathogenic (1 of 4 stars; one submission).

Conditions:
Epilepsy, familial focal, with variable foci 3 (FFEVF3). Identifiers: MedGen C4310708, MONDO:0014925, OMIM 617118.

Submission:

Labcorp Genetics (formerly Invitae), Labcorp
Classification: Likely pathogenic for Epilepsy, familial focal, with variable foci 3. Last evaluated: 2019-02-02. Review status: criteria provided, single submitter. Criteria: Invitae Variant Classification Sherloc (09022015). Collection method: clinical testing. Allele origin: unknown.
Comment: In summary, the currently available evidence indicates that the variant is pathogenic, but additional data are needed to prove that conclusively. Therefore, this variant has been classified as Likely Pathogenic. Loss-of-function variants in NPRL3 are known to be pathogenic (PMID: 26285051, 26505888). This variant has not been reported in the literature in individuals with NPRL3-related conditions. This variant is a deletion of the genomic region encompassing part of exon 7 (c.591_629+634del) of the NPRL3 gene. It is expected to disrupt RNA splicing and likely results in an absent or disrupted protein product.

Literature cited by the submitters: PubMed 26285051; PubMed 26505888.